The following is an entry in ClinVar:

NM_022455.5(NSD1):c.8083C>T (p.Gln2695Ter)

Gene: NSD1 (nuclear receptor binding SET domain protein 1; plus strand). Cytogenetic location: 5q35.3.
Variant type: single nucleotide variant.
Coding change: c.8083C>T on transcript NM_022455.5 (MANE Select); coding-DNA position 8083, C replaced by T.
Protein change: p.Gln2695Ter; replaces glutamine 2695 with a stop codon.
Molecular consequence: nonsense.
Genome position (GRCh38, 1-based): chr5:177,295,451, C>T. VCF-style: chr5-177295451-C-T. GRCh37 (hg19) VCF-style: chr5-176722452-C-T.
Other names: c.7210C>T, p.Gln2404Ter (NM_001365684.2, NM_001409308.1, NM_172349.5); c.8083C>T, p.Gln2695Ter (NM_001409301.1, NM_001409302.1, NM_001409303.1); c.7663C>T, p.Gln2555Ter (NM_001409304.1); c.7330C>T, p.Gln2444Ter (NM_001409305.1); c.7321C>T, p.Gln2441Ter (NM_001409306.1, NM_001409307.1); c.6961C>T, p.Gln2321Ter (NM_001409309.1); short protein forms Q2404*, Q2321*, Q2441*, Q2555*, Q2695*, Q2444*.
Identifiers: ClinVar variation 4766807 (VCV004766807.1).

ClinVar aggregate classification (germline): Uncertain significance (1 of 4 stars; one submission).

Submission:

Labcorp Genetics (formerly Invitae), Labcorp
Classification: Uncertain significance. Last evaluated: 2025-09-22. Review status: criteria provided, single submitter. Criteria: Invitae Variant Classification Sherloc (09022015). Collection method: clinical testing. Allele origin: germline.
Comment: This sequence change creates a premature translational stop signal (p.Gln2695*) in the NSD1 gene. While this is not anticipated to result in nonsense mediated decay, it is expected to disrupt the last 2 amino acid(s) of the NSD1 protein. This variant is not present in population databases (gnomAD no frequency). This variant has not been reported in the literature in individuals affected with NSD1-related conditions. Experimental studies and prediction algorithms are not available or were not evaluated, and the functional significance of this variant is currently unknown. In summary, the available evidence is currently insufficient to determine the role of this variant in disease. Therefore, it has been classified as a Variant of Uncertain Significance.